The following is an entry in ClinVar:

ClinVar aggregate classification (germline): Pathogenic/Likely pathogenic. Review status: criteria provided, multiple submitters, no conflicts (2 of 4 stars). 3 submissions from 3 submitters: Pathogenic (2); Likely pathogenic (1). Last evaluated 2024-05-01.

Conditions:
Intellectual disability-microcephaly-strabismus-behavioral abnormalities syndrome. Also called: White-Sutton Syndrome. Identifiers: Orphanet 468678, MedGen C4225351, MONDO:0014606, OMIM 616364.

Submissions (3):

Clinical Genomics Laboratory, Washington University in St. Louis
Classification: Pathogenic for Intellectual disability-microcephaly-strabismus-behavioral abnormalities syndrome. Last evaluated: 2024-05-01. Review status: criteria provided, single submitter. Criteria: ACMG Guidelines, 2015. Collection method: clinical testing. Allele origin: germline. Affected: yes.
Comment: The POGZ c.3118G>A (p.Glu1040Lys) variant has been reported in at least five individuals affected with White-Sutton syndrome or autism and is occurred de novo in at least four individuals (1, 5, 6, 7, 8). This variant has been reported in the ClinVar database as a germline pathogenic variant by one submitter. This variant is absent from the general population (gnomAD v.2.1.1), indicating it is not a common variant. Computational predictors are uncertain on the impact of this variant on POGZ function. Functional studies show conflicting results: at least one study indicates this variant may alter cellular localization (1) while another study indicates the variant does not alter localization and can rescue phenotype similar to the native protein (9). Based on available information and the ACMG/AMP guidelines for variant interpretation (10), this variant is classified as pathogenic.

GeneDx
Classification: Pathogenic. Last evaluated: 2023-03-05. Review status: criteria provided, single submitter. Criteria: GeneDx Variant Classification Process June 2021. Collection method: clinical testing. Allele origin: germline. Affected: yes.
Comment: Published functional studies demonstrate a dominant-negative effect of the E1040K variant on endogenous POGZ function (Matsumura et al., 2020); In silico analysis supports that this missense variant does not alter protein structure/function; Not observed at significant frequency in large population cohorts (gnomAD); This variant is associated with the following publications: (PMID: 29346770, 31347273, 33767182, 25694107, 32103003, 33277917)

Juno Genomics, Hangzhou Juno Genomics, Inc
Classification: Likely pathogenic for Intellectual disability-microcephaly-strabismus-behavioral abnormalities syndrome. Review status: criteria provided, single submitter. Criteria: ACMG Guidelines, 2015. Collection method: clinical testing. Allele origin: germline. Affected: yes.
Comment: Absent from controls (or at extremely low frequency if recessive) in Genome Aggregation Database, Exome Sequencing Project, 1000 Genomes Project, or Exome Aggregation Consortium.;Missense variant in a gene that has a low rate of benign missense variation and where missense variants are a common mechanism of disease.;De novo (both maternity and paternity confirmed) in a patient with the disease and no family history.;The prevalence of the variant in affected individuals is significantly increased compared to the prevalence in controls.;Patient's phenotype or family history is highly specific for a disease with a single genetic etiology.

NM_015100.4(POGZ):c.3118G>A (p.Glu1040Lys)

Gene: POGZ (pogo transposable element derived with ZNF domain; minus strand). Cytogenetic location: 1q21.3.
Variant type: single nucleotide variant.
Coding change: c.3118G>A on transcript NM_015100.4 (MANE Select); coding-DNA position 3118, G replaced by A.
Protein change: p.Glu1040Lys; replaces glutamic acid 1040 with lysine.
Molecular consequence: missense variant.
Genome position (GRCh38, 1-based): chr1:151,405,917, C>T on the plus strand (G>A on the coding strand, the complement: POGZ is on the minus strand). VCF-style: chr1-151405917-C-T. GRCh37 (hg19) VCF-style: chr1-151378393-C-T.
Other names: c.3091G>A, p.Glu1031Lys (NM_001194937.2); c.2932G>A, p.Glu978Lys (NM_001194938.2); c.2833G>A, p.Glu945Lys (NM_145796.4); c.2959G>A, p.Glu987Lys (NM_207171.2); short protein forms E1031K, E1040K, E945K, E978K, E987K.
Identifiers: ClinVar variation 1691144 (VCV001691144.4), dbSNP rs2102146729, ClinGen allele CA341945520.
Genomic context (GRCh38, chr1:151,405,917, plus strand): 5'-AACGTCCTATTTTGGTGGCCTTCTGGAACAAGGTCTCCTCATTTACAGGTAGCTGTTGTT[C>T]GCGCTGGGTTAGCACCCACTCAGCCAGTTTCTCTTCTGCCTCAAAGCTCAGATATTTGCC-3'
Protein context (NP_055915.2, residues 1030-1050): KLAEWVLTQR[Glu1040Lys]QQLPVNEETL